The following is an entry in ClinVar:

NM_001024630.4(RUNX2):c.1312dup (p.Gln438fs)

Gene: RUNX2 (RUNX family transcription factor 2; plus strand). Cytogenetic location: 6p21.1.
Variant type: Duplication.
Coding change: c.1312dup on transcript NM_001024630.4 (MANE Select); coding-DNA position 1312, one base duplicated (C; older notation c.1312dupC).
Protein change: p.Gln438fs; shifts the reading frame from glutamine 438.
Molecular consequence: frameshift variant.
Genome position (GRCh38, 1-based): chr6:45,547,051, C duplicated; the last of 2 consecutive C bases (chr6:45,547,050-45,547,051); duplicating either gives the same sequence. VCF-style (leftmost placement, unchanged base first): chr6-45547049-T-TC. GRCh37 (hg19) VCF-style: chr6-45514786-T-TC.
Other names: c.1246dup, p.Gln416fs (NM_001015051.4); c.1204dup, p.Gln402fs (NM_001278478.2); c.1270dup, p.Gln424fs (NM_001369405.1); short protein forms Q402fs, Q416fs, Q424fs, Q438fs.
Identifiers: ClinVar variation 4852020 (VCV004852020.1).

ClinVar aggregate classification (germline): Pathogenic (1 of 4 stars; one submission).

Conditions:
Cleidocranial dysostosis (CLCD1). Also called: cleidocranial dysplasia 1; Marie-Sainton disease; Cleidocranial Dysplasia Spectrum Disorder. Identifiers: Orphanet 1452, MedGen C0008928, MONDO:0007340, OMIM 119600.

Submission:

Clinical Biomedical Laboratory, Shriners Hospital For Children - Canada
Classification: Pathogenic for Cleidocranial dysostosis. Review status: criteria provided, single submitter. Criteria: ACMG Guidelines, 2015. Collection method: clinical testing. Allele origin: germline. Affected: yes.
Comment: This variant introduces a frameshift and leads to a premature stop codon. This is expected to lead to degradation of the affected transcript and loss of function. In the Genome Aggregation Database (gnomAD v2.1.1) this variant is absent, indicating it is very rare. Based on the ACMG variant interpretation guidelines (criteria: PVS1, PM2, PP4), this is a pathogenic variant.